The following is an entry in ClinVar:

ClinVar aggregate classification (germline): Likely pathogenic (1 of 4 stars; one submission).

Conditions:
Deficiency of acetyl-CoA acetyltransferase. Also called: MITOCHONDRIAL ACETOACETYL-CoA THIOLASE DEFICIENCY; 3-KETOTHIOLASE DEFICIENCY; 3-OXOTHIOLASE DEFICIENCY; Beta-ketothiolase deficiency. Identifiers: Orphanet 134, MedGen C1536500, MONDO:0008760, OMIM 203750. Disease mechanism: loss of function.

Allele frequency attached by ClinVar (database versions not stated): gnomAD exomes below 0.00001.
gnomAD v4.1: 6 of 1,613,622 alleles (0.00037%); highest among the groups gnomAD compares: Non-Finnish European, 0.00042%; no homozygotes.

Submission:

The Laboratory of Genetics and Metabolism, Hunan Children’s Hospital
Classification: Likely pathogenic for Deficiency of acetyl-CoA acetyltransferase. Last evaluated: 2021-03-06. Review status: criteria provided, single submitter. Criteria: ACMG Guidelines, 2015. Collection method: research. Allele origin: germline. Affected: yes. Observed: 1 variant allele.
Comment: In compound heterozygosity following autosomal recessive inheritance.

Literature cited by the submitters: PubMed 34298581.

NM_000019.4(ACAT1):c.263A>C (p.Glu88Ala)

Gene: ACAT1 (acetyl-CoA acetyltransferase 1; plus strand). Cytogenetic location: 11q22.3.
Variant type: single nucleotide variant.
Coding change: c.263A>C on transcript NM_000019.4 (MANE Select); coding-DNA position 263, A replaced by C.
Protein change: p.Glu88Ala; replaces glutamic acid 88 with alanine.
Molecular consequence: missense variant. On other transcripts: 5 prime UTR variant (10), non-coding transcript variant (2), intron variant (1).
Genome position (GRCh38, 1-based): chr11:108,134,245, A>C. VCF-style: chr11-108134245-A-C. GRCh37 (hg19) VCF-style: chr11-108004972-A-C.
Other names: c.263A>C, p.Glu88Ala (NM_001386677.1); c.-15A>C (NM_001386679.1); c.-8A>C (NM_001386681.1, NM_001386682.1, NM_001386685.1 and 6 more transcripts); c.120+2291A>C (NM_001386678.1); short protein forms E88A.
Identifiers: ClinVar variation 1172773 (VCV001172773.2), dbSNP rs1565288701, ClinGen allele CA382506513.